The following is an entry in ClinVar:

NM_182641.4(BPTF):c.5798C>T (p.Thr1933Ile)

Gene: BPTF (bromodomain PHD finger transcription factor; plus strand). Cytogenetic location: 17q24.2.
Variant type: single nucleotide variant.
Coding change: c.5798C>T on transcript NM_182641.4 (MANE Select); coding-DNA position 5798, C replaced by T.
Protein change: p.Thr1933Ile; replaces threonine 1933 with isoleucine.
Molecular consequence: missense variant.
Genome position (GRCh38, 1-based): chr17:67,928,401, C>T. VCF-style: chr17-67928401-C-T. GRCh37 (hg19) VCF-style: chr17-65924517-C-T.
Other names: c.5987C>T, p.Thr1996Ile (NM_001439139.1, NM_001439141.1, NM_001439143.1 and 1 more transcripts); c.6176C>T, p.Thr2059Ile (NM_001439140.1, NM_001439142.1, NM_004459.7); short protein forms T2059I, T1933I, T1996I.
Identifiers: ClinVar variation 4759984 (VCV004759984.1).

ClinVar aggregate classification (germline): Uncertain significance (1 of 4 stars; one submission).

gnomAD v4.1: 9 of 1,613,814 alleles (0.00056%); highest among the groups gnomAD compares: African/African-American, 0.011%; no homozygotes.

Submission:

Labcorp Genetics (formerly Invitae), Labcorp
Classification: Uncertain significance. Last evaluated: 2025-07-30. Review status: criteria provided, single submitter. Criteria: Invitae Variant Classification Sherloc (09022015). Collection method: clinical testing. Allele origin: germline.
Comment: This sequence change replaces threonine, which is neutral and polar, with isoleucine, which is neutral and non-polar, at codon 2059 of the BPTF protein (p.Thr2059Ile). This variant is present in population databases (rs151096634, gnomAD 0.02%). This variant has not been reported in the literature in individuals affected with BPTF-related conditions. An algorithm developed to predict the effect of missense changes on protein structure and function (PolyPhen-2) suggests that this variant is likely to be tolerated. In summary, the available evidence is currently insufficient to determine the role of this variant in disease. Therefore, it has been classified as a Variant of Uncertain Significance.